The following is an entry in ClinVar:

NM_182493.3(MYLK3):c.1057A>G (p.Arg353Gly)

Gene: MYLK3 (myosin light chain kinase 3; minus strand). Cytogenetic location: 16q11.2.
Variant type: single nucleotide variant.
Coding change: c.1057A>G on transcript NM_182493.3 (MANE Select); coding-DNA position 1057, A replaced by G.
Protein change: p.Arg353Gly; replaces arginine 353 with glycine.
Molecular consequence: missense variant.
Genome position (GRCh38, 1-based): chr16:46,732,613, T>C on the plus strand (A>G on the coding strand, the complement: MYLK3 is on the minus strand). VCF-style: chr16-46732613-T-C. GRCh37 (hg19) VCF-style: chr16-46766525-T-C.
Other names: c.34A>G, p.Arg12Gly (NM_001308301.1); short protein forms R12G, R353G.
Identifiers: ClinVar variation 1431705 (VCV001431705.8), dbSNP rs1446512973, ClinGen allele CA395793094.
Genomic context (GRCh38, chr16:46,732,613, plus strand): 5'-GCTTGCCTGGCTGGGCAGCTGCTGGAGCCTCTGTGGTGAGGGTGGGTCCAAGGCTGCCCC[T>C]GCCTGTCATCAGCATCTCCCCAGGAGTATCCATCTCTTGTATGTGGATGGAGATCCTGGG-3'
Protein context (NP_872299.2, residues 343-363): DTPGEMLMTG[Arg353Gly]GSLGPTLTTE

ClinVar aggregate classification (germline): Uncertain significance (1 of 4 stars; one submission).

Allele frequency attached by ClinVar (database versions not stated): gnomAD exomes below 0.00001; TOPMed below 0.00001; gnomAD 0.00001.
gnomAD v4.1: 5 of 1,574,404 alleles (0.00032%); highest among the groups gnomAD compares: African/African-American, 0.0054%; no homozygotes.

Submission:

Labcorp Genetics (formerly Invitae), Labcorp
Classification: Uncertain significance. Last evaluated: 2023-09-05. Review status: criteria provided, single submitter. Criteria: Invitae Variant Classification Sherloc (09022015). Collection method: clinical testing. Allele origin: germline.
Comment: In summary, the available evidence is currently insufficient to determine the role of this variant in disease. Therefore, it has been classified as a Variant of Uncertain Significance. Algorithms developed to predict the effect of missense changes on protein structure and function output the following: SIFT: "Not Available"; PolyPhen-2: "Benign"; Align-GVGD: "Not Available". The glycine amino acid residue is found in multiple mammalian species, which suggests that this missense change does not adversely affect protein function. ClinVar contains an entry for this variant (Variation ID: 1431705). This variant has not been reported in the literature in individuals affected with MYLK3-related conditions. This variant is present in population databases (no rsID available, gnomAD 0.007%). This sequence change replaces arginine, which is basic and polar, with glycine, which is neutral and non-polar, at codon 353 of the MYLK3 protein (p.Arg353Gly).